The following is an entry in ClinVar:

ClinVar aggregate classification (germline): Uncertain significance (1 of 4 stars; one submission).

Conditions:
Idiopathic generalized epilepsy. Also called: Generalised epilepsy; EIG. Identifiers: MedGen C0270850, MONDO:0005579, OMIM 600669.
Hyperaldosteronism, familial, type IV (HALD4). Also called: FH IV; ALDOSTERONISM, PRIMARY, AND HYPERTENSION. Identifiers: Orphanet 642671, MedGen C4310756, MONDO:0014875, OMIM 617027.

Allele frequency attached by ClinVar (database versions not stated): gnomAD exomes below 0.00001 and 0.00001; TOPMed 0.00001.
gnomAD v4.1: 2 of 1,611,776 alleles (0.00012%); highest among the groups gnomAD compares: Non-Finnish European, 0.00017%; no homozygotes.

Submission:

Labcorp Genetics (formerly Invitae), Labcorp
Classification: Uncertain significance for Idiopathic generalized epilepsy; Hyperaldosteronism, familial, type IV. Last evaluated: 2024-02-23. Review status: criteria provided, single submitter. Criteria: Invitae Variant Classification Sherloc (09022015). Collection method: clinical testing. Allele origin: germline.
Comment: This sequence change replaces serine, which is neutral and polar, with asparagine, which is neutral and polar, at codon 1322 of the CACNA1H protein (p.Ser1322Asn). The frequency data for this variant in the population databases is considered unreliable, as metrics indicate poor data quality at this position in the gnomAD database. This variant has not been reported in the literature in individuals affected with CACNA1H-related conditions. ClinVar contains an entry for this variant (Variation ID: 645538). Advanced modeling of protein sequence and biophysical properties (such as structural, functional, and spatial information, amino acid conservation, physicochemical variation, residue mobility, and thermodynamic stability) performed at Invitae indicates that this missense variant is expected to disrupt CACNA1H protein function with a positive predictive value of 80%. In summary, the available evidence is currently insufficient to determine the role of this variant in disease. Therefore, it has been classified as a Variant of Uncertain Significance.

NM_021098.3(CACNA1H):c.3965G>A (p.Ser1322Asn)

Gene: CACNA1H (calcium voltage-gated channel subunit alpha1 H; plus strand). Cytogenetic location: 16p13.3.
Variant type: single nucleotide variant.
Coding change: c.3965G>A on transcript NM_021098.3 (MANE Select); coding-DNA position 3965, G replaced by A.
Protein change: p.Ser1322Asn; replaces serine 1322 with asparagine.
Molecular consequence: missense variant.
Genome position (GRCh38, 1-based): chr16:1,210,489, G>A. VCF-style: chr16-1210489-G-A. GRCh37 (hg19) VCF-style: chr16-1260489-G-A.
Other names: c.3965G>A, p.Ser1322Asn (NM_001005407.2); short protein forms S1322N.
Identifiers: ClinVar variation 645538 (VCV000645538.8), dbSNP rs1172795132, ClinGen allele CA394176860.